The following is an entry in ClinVar:

NM_001005242.3(PKP2):c.2399T>C (p.Leu800Pro)

Gene: PKP2 (plakophilin 2; minus strand). Cytogenetic location: 12p11.21.
Variant type: single nucleotide variant.
Coding change: c.2399T>C on transcript NM_001005242.3 (MANE Select); coding-DNA position 2399, T replaced by C.
Protein change: p.Leu800Pro; replaces leucine 800 with proline.
Molecular consequence: missense variant.
Genome position (GRCh38, 1-based): chr12:32,792,690, A>G on the plus strand (T>C on the coding strand, the complement: PKP2 is on the minus strand). VCF-style: chr12-32792690-A-G. GRCh37 (hg19) VCF-style: chr12-32945624-A-G.
Other names: p.L844P:CTG>CCG; c.2531T>C, p.Leu844Pro (NM_004572.4); short protein forms L844P, L800P.
Identifiers: ClinVar variation 201967 (VCV000201967.5), dbSNP rs794729100, ClinGen allele CA012137.

ClinVar aggregate classification (germline): Conflicting classifications of pathogenicity. Review status: criteria provided, conflicting classifications (1 of 4 stars). 2 submissions from 2 submitters: Likely pathogenic (1); Uncertain significance (1). Last evaluated 2024-02-05.

Conditions:
Arrhythmogenic right ventricular dysplasia 9 (ARVD9). Also called: ARRHYTHMOGENIC RIGHT VENTRICULAR DYSPLASIA, FAMILIAL, 9; Arrhythmogenic Right Ventricular Dysplasia/Cardiomyopathy 9. Identifiers: MedGen C1836906, MONDO:0012180, OMIM 609040.

Submissions (2):

Labcorp Genetics (formerly Invitae), Labcorp
Classification: Uncertain significance for Arrhythmogenic right ventricular dysplasia 9. Last evaluated: 2024-02-05. Review status: criteria provided, single submitter. Criteria: Invitae Variant Classification Sherloc (09022015). Collection method: clinical testing. Allele origin: germline.
Comment: This sequence change replaces leucine, which is neutral and non-polar, with proline, which is neutral and non-polar, at codon 844 of the PKP2 protein (p.Leu844Pro). This variant is not present in population databases (gnomAD no frequency). This variant has not been reported in the literature in individuals affected with PKP2-related conditions. ClinVar contains an entry for this variant (Variation ID: 201967). An algorithm developed to predict the effect of missense changes on protein structure and function (PolyPhen-2) suggests that this variant is likely to be disruptive. In summary, the available evidence is currently insufficient to determine the role of this variant in disease. Therefore, it has been classified as a Variant of Uncertain Significance.

GeneDx
Classification: Likely pathogenic. Last evaluated: 2012-07-02. Review status: criteria provided, single submitter. Criteria: GeneDx Variant Classification (06012015). Collection method: clinical testing. Allele origin: germline. Affected: yes.
Comment: p.Leu844Pro (CTG>CCG): c.2531 T>C in exon 13 of the PKP2 gene (NM_004572.3). The Leu844Pro variant in the PKP2 gene has not been reported as a disease-causing mutation or as a benign polymorphism to our knowledge. Leu844Pro results in a semi-conservative amino acid substitution of one non-polar residue for another at a position that is conserved across species. In silico analysis predicts Leu844Pro is probably damaging to the protein structure/function. A mutation in a nearby residue (Leu847Pro) has been reported in association with ARVC, further supporting the functional importance of this region of the protein. Furthermore, the NHLBI ESP Exome Variant Server reports Leu844Pro was not observed in approximately 5,000 samples from individuals of European and African American backgrounds, indicating it is not a common benign variant in these populations. In summary, while Leu844Pro is a good candidate for a disease-causing mutation, with the clinical and molecular information available at this time we cannot unequivocally determine the clinical significance of this variant. The variant is found in ARVC panel(s).